The following is an entry in ClinVar:

NM_001130925.2(ERVW-1):c.128G>A (p.Arg43His)

Genes: ERVW-1 (endogenous retrovirus group W member 1, envelope; minus strand), GATAD1 (GATA zinc finger domain containing 1; plus strand). Cytogenetic location: 7q21.2.
Variant type: single nucleotide variant.
Coding change: c.128G>A on transcript NM_001130925.2 (MANE Select); coding-DNA position 128, G replaced by A.
Protein change: p.Arg43His; replaces arginine 43 with histidine.
Molecular consequence: missense variant.
Genome position (GRCh38, 1-based): chr7:92,470,254, C>T on the plus strand (G>A on the coding strand, the complement: ERVW-1 is on the minus strand). VCF-style: chr7-92470254-C-T. GRCh37 (hg19) VCF-style: chr7-92099568-C-T.
Other names: c.128G>A, p.Arg43His (NM_014590.4); short protein forms R43H.
Identifiers: ClinVar variation 2657668 (VCV002657668.24), dbSNP rs143305961, ClinGen allele CA4340664.
Genomic context (GRCh38, chr7:92,470,254, plus strand): 5'-GTGAAGGTGGGGGTTCCCTTAGAAAGACTCCTATACGATGGGGCATCAATATTTCCGGGA[C>T]GCTGCATTCTCCATAGAAACTCTTGGTAAGGGGAGCTACTGGTCATACAGCGGCATGGAG-3'
Protein context (NP_001124397.1, residues 33-53): PYQEFLWRMQ[Arg43His]PGNIDAPSYR

ClinVar aggregate classification (germline): Likely benign (1 of 4 stars; one submission).

Allele frequency attached by ClinVar (database versions not stated): 1000 Genomes Project 30x 0.00156; 1000 Genomes Project 0.00180; ESP Exome Variant Server 0.00354.
gnomAD v4.1: 2,704 of 773,398 alleles (0.35%); highest among the groups gnomAD compares: Non-Finnish European, 0.52%; 9 homozygotes.

Submission:

CeGaT Center for Human Genetics Tuebingen
Classification: Likely benign. Last evaluated: 2023-01-01. Review status: criteria provided, single submitter. Criteria: CeGaT Center For Human Genetics Tuebingen Variant Classification Criteria Version 2. Collection method: clinical testing. Allele origin: germline. Affected: yes. Observed: 1 variant allele.
Comment: ERVW-1: BP4, BS2